The following is an entry in ClinVar:

NM_000051.4(ATM):c.7534C>T (p.Pro2512Ser)

Genes: ATM (ATM serine/threonine kinase; plus strand), C11orf65 (chromosome 11 open reading frame 65; minus strand). Cytogenetic location: 11q22.3.
Variant type: single nucleotide variant.
Coding change: c.7534C>T on transcript NM_000051.4 (MANE Select); coding-DNA position 7534, C replaced by T.
Protein change: p.Pro2512Ser; replaces proline 2512 with serine.
Molecular consequence: missense variant. On other transcripts: non-coding transcript variant (1), intron variant (2).
Genome position (GRCh38, 1-based): chr11:108,331,462, C>T. VCF-style: chr11-108331462-C-T. GRCh37 (hg19) VCF-style: chr11-108202189-C-T.
Other names: c.7534C>T, p.Pro2512Ser (NM_001351834.2); c.641-22391G>A (NM_001330368.2); c.*38+3758G>A (NM_001351110.2); short protein forms P2512S.
Identifiers: ClinVar variation 1060210 (VCV001060210.9), dbSNP rs1565532052, ClinGen allele CA382560672.

ClinVar aggregate classification (germline): Uncertain significance (1 of 4 stars; one submission).

Conditions:
Ataxia-telangiectasia syndrome (AT). Also called: Ataxia telangiectasia (A-T); ATAXIA-TELANGIECTASIA, COMPLEMENTATION GROUP A; ATAXIA-TELANGIECTASIA, FRESNO VARIANT; Ataxia-telangiectasia; Ataxia-telangiectasia, complementation group E; LOUIS-BAR SYNDROME. Identifiers: Orphanet 100, MedGen C0004135, MONDO:0008840, OMIM 208900.

Submission:

Labcorp Genetics (formerly Invitae), Labcorp
Classification: Uncertain significance for Ataxia-telangiectasia syndrome. Last evaluated: 2020-03-22. Review status: criteria provided, single submitter. Criteria: Invitae Variant Classification Sherloc (09022015). Collection method: clinical testing. Allele origin: germline.
Comment: This sequence change replaces proline with serine at codon 2512 of the ATM protein (p.Pro2512Ser). The proline residue is moderately conserved and there is a moderate physicochemical difference between proline and serine. This variant is not present in population databases (ExAC no frequency). This variant has not been reported in the literature in individuals with ATM-related conditions. Algorithms developed to predict the effect of missense changes on protein structure and function output the following: SIFT: "Tolerated"; PolyPhen-2: "Benign"; Align-GVGD: "Class C0". The serine amino acid residue is found in multiple mammalian species, suggesting that this missense change does not adversely affect protein function. These predictions have not been confirmed by published functional studies and their clinical significance is uncertain. In summary, the available evidence is currently insufficient to determine the role of this variant in disease. Therefore, it has been classified as a Variant of Uncertain Significance.